The following is an entry in ClinVar:

ClinVar aggregate classification (germline): Uncertain significance (1 of 4 stars; one submission).

Conditions:
Intellectual developmental disorder, X-linked, syndromic, Hedera type. Also called: Syndromic X-linked intellectual disability Hedera type. Identifiers: Orphanet 93952, MedGen C1845543, MONDO:0010319, OMIM 300423.

Allele frequency attached by ClinVar (database versions not stated): gnomAD 0.00002; gnomAD exomes 0.00001; ExAC 0.00001.
gnomAD v4.1: 5 of 1,207,656 alleles (0.00041%); highest among the groups gnomAD compares: East Asian, 0.0059%; 1 homozygote.

Submission:

Labcorp Genetics (formerly Invitae), Labcorp
Classification: Uncertain significance for Intellectual developmental disorder, X-linked, syndromic, Hedera type. Last evaluated: 2022-11-26. Review status: criteria provided, single submitter. Criteria: Invitae Variant Classification Sherloc (09022015). Collection method: clinical testing. Allele origin: germline.
Comment: This sequence change replaces arginine, which is basic and polar, with cysteine, which is neutral and slightly polar, at codon 152 of the ATP6AP2 protein (p.Arg152Cys). This variant is present in population databases (rs745734335, gnomAD 0.01%). This variant has not been reported in the literature in individuals affected with ATP6AP2-related conditions. ClinVar contains an entry for this variant (Variation ID: 1513839). Advanced modeling of protein sequence and biophysical properties (such as structural, functional, and spatial information, amino acid conservation, physicochemical variation, residue mobility, and thermodynamic stability) performed at Invitae indicates that this missense variant is expected to disrupt ATP6AP2 protein function. In summary, the available evidence is currently insufficient to determine the role of this variant in disease. Therefore, it has been classified as a Variant of Uncertain Significance.

NM_005765.3(ATP6AP2):c.454C>T (p.Arg152Cys)

Gene: ATP6AP2 (ATPase H+ transporting accessory protein 2; plus strand). Cytogenetic location: Xp11.4.
Variant type: single nucleotide variant.
Coding change: c.454C>T on transcript NM_005765.3 (MANE Select); coding-DNA position 454, C replaced by T.
Protein change: p.Arg152Cys; replaces arginine 152 with cysteine.
Molecular consequence: missense variant.
Genome position (GRCh38, 1-based): chrX:40,597,584, C>T. VCF-style: chrX-40597584-C-T. GRCh37 (hg19) VCF-style: chrX-40456836-C-T.
Other names: short protein forms R152C.
Identifiers: ClinVar variation 1513839 (VCV001513839.8), dbSNP rs745734335, ClinGen allele CA10387213.
Genomic context (GRCh38, chrX:40,597,584, plus strand): 5'-CAGAGAGTGTATATGGTAGGGAAGGCAAACTCAGTGTTTGAAGACCTTTCAGTCACCTTG[C>T]GCCAGCTCCGTAATCGCCTGTTTCAAGAAAACTCTGTTCTCAGTTCACTCCCCCTCAATT-3'
Protein context (NP_005756.2, residues 142-162): SVFEDLSVTL[Arg152Cys]QLRNRLFQEN